The following is an entry in ClinVar:

NM_021930.6(RINT1):c.782C>T (p.Pro261Leu)

Gene: RINT1 (RAD50 interactor 1; plus strand). Cytogenetic location: 7q22.3.
Variant type: single nucleotide variant.
Coding change: c.782C>T on transcript NM_021930.6 (MANE Select); coding-DNA position 782, C replaced by T.
Protein change: p.Pro261Leu; replaces proline 261 with leucine.
Molecular consequence: missense variant. On other transcripts: 5 prime UTR variant (2), non-coding transcript variant (1), intron variant (1).
Genome position (GRCh38, 1-based): chr7:105,547,276, C>T. VCF-style: chr7-105547276-C-T. GRCh37 (hg19) VCF-style: chr7-105187723-C-T.
Other names: c.548C>T, p.Pro183Leu (NM_001346599.2); c.-238C>T (NM_001346600.2); c.-141C>T (NM_001346601.2); c.-27-2779C>T (NM_001346603.2); c.782C>T (NM_021930.5); short protein forms P261L, P183L.
Identifiers: ClinVar variation 410800 (VCV000410800.57), dbSNP rs199535472, ClinGen allele CA4426525.
Genomic context (GRCh38, chr7:105,547,276, plus strand): 5'-GGCCATTCATCGCACCCCCTCAATCACAAACTGTTGGCTTAAGTCGACCTGCCAGTGCCC[C>T]GGAGATATACAGTTACCTGGAGACACTGTTTTGTCAGCTTTTGAAACTACAAACCTCGTA-3'
Protein context (NP_068749.3, residues 251-271): TVGLSRPASA[Pro261Leu]EIYSYLETLF

ClinVar aggregate classification (germline): Conflicting classifications of pathogenicity. Review status: criteria provided, conflicting classifications (1 of 4 stars). 6 submissions from 6 submitters: Uncertain significance (3); Likely benign (2). 1 of the submissions does not count toward it. Last evaluated 2026-07-06.

Conditions:
RINT1-related disorder. Also called: RINT1-related condition.

Allele frequency attached by ClinVar (database versions not stated): ESP Exome Variant Server 0.00015; TOPMed 0.00020; gnomAD 0.00025 and 0.00026; gnomAD exomes 0.00030 and 0.00052; ExAC 0.00031.
gnomAD v4.1: 783 of 1,614,022 alleles (0.049%); highest among the groups gnomAD compares: Non-Finnish European, 0.06%; 1 homozygote.

Submissions (6):

PreventionGenetics, part of Exact Sciences
Classification: Uncertain significance for RINT1-related condition. Last evaluated: 2026-07-06. Review status: criteria provided, single submitter. Criteria: ACMG Guidelines, 2015. Collection method: clinical testing. Allele origin: germline.
Comment: The RINT1 c.782C>T variant is predicted to result in the amino acid substitution p.Pro261Leu. To our knowledge, this variant has not been reported in the literature in association with established RINT1-related disease. This variant is reported in 0.092% of alleles in individuals of European (Finnish) descent in gnomAD, which may be too frequent to be a primary cause of disease. Although we suspect that this variant may be benign, at this time, the clinical significance of this variant is uncertain due to the absence of conclusive functional and genetic evidence.

Labcorp Genetics (formerly Invitae), Labcorp
Classification: Likely benign. Last evaluated: 2025-07-30. Review status: criteria provided, single submitter. Criteria: Invitae Variant Classification Sherloc (09022015). Collection method: clinical testing. Allele origin: germline.

Institute for Clinical Genetics, University Hospital TU Dresden, University Hospital TU Dresden
Classification: Uncertain significance. Last evaluated: 2021-11-03. Review status: criteria provided, single submitter. Criteria: ACMG Guidelines, 2015. Collection method: clinical testing. Allele origin: germline.

Ambry Genetics
Classification: Likely benign. Last evaluated: 2020-08-13. Review status: criteria provided, single submitter. Criteria: Ambry Variant Classification Scheme 2023. Collection method: clinical testing. Allele origin: germline.

CeGaT Center for Human Genetics Tuebingen
Classification: Uncertain significance. Last evaluated: 2020-02-01. Review status: criteria provided, single submitter. Criteria: CeGaT Center For Human Genetics Tuebingen Variant Classification Criteria Version 2. Collection method: clinical testing. Allele origin: germline. Affected: yes. Observed: 1 variant allele.

Department of Pathology and Laboratory Medicine, Sinai Health System
Classification: Uncertain significance. Review status: no assertion criteria provided. Collection method: clinical testing. Allele origin: unknown. Affected: yes. Study: The Canadian Open Genetics Repository (COGR). Not counted in ClinVar's aggregate classification.
Comment: The RINT1 p.Pro183Leu variant was not identified in the literature nor was it identified in Cosmic or LOVD 3.0. The variant was identified in dbSNP (ID: rs199535472) and ClinVar (classified as uncertain significance by Invitae). The variant was identified in control databases in 85 of 282892 total chromosomes at a frequency of 0.0003005 (Genome Aggregation Database Feb 27, 2017). The variant was observed in the following populations: European (Finnish) in 23 of 25124 chromosomes (freq: 0.000916), Other in 4 of 7228 chromosomes (freq: 0.000553), European (non-Finnish) in 57 of 129192 chromosomes (freq: 0.000441) and African in 1 of 24970 chromosomes (freq: 0.00004), but was not observed in the Latino, Ashkenazi Jewish, East Asian or South Asian populations. The p.Pro183 residue is not conserved in mammals and four out of five computational analyses (PolyPhen-2, SIFT, AlignGVGD, BLOSUM, MutationTaster) do not suggest a high likelihood of impact to the protein; however, this information is not predictive enough to rule out pathogenicity. The variant occurs outside of the splicing consensus sequence and in silico or computational prediction software programs (SpliceSiteFinder, MaxEntScan, NNSPLICE, GeneSplicer) do not predict a difference in splicing. In summary, based on the above information the clinical significance of this variant cannot be determined with certainty at this time. This variant is classified as a variant of uncertain significance.